The following is an entry in ClinVar:

NM_017617.5(NOTCH1):c.4537G>C (p.Gly1513Arg)

Gene: NOTCH1 (notch receptor 1; minus strand). Cytogenetic location: 9q34.3.
Variant type: single nucleotide variant.
Coding change: c.4537G>C on transcript NM_017617.5 (MANE Select); coding-DNA position 4537, G replaced by C.
Protein change: p.Gly1513Arg; replaces glycine 1513 with arginine.
Molecular consequence: missense variant.
Genome position (GRCh38, 1-based): chr9:136,505,359, C>G on the plus strand (G>C on the coding strand, the complement: NOTCH1 is on the minus strand). VCF-style: chr9-136505359-C-G. GRCh37 (hg19) VCF-style: chr9-139399811-C-G.
Other names: short protein forms G1513R.
Identifiers: ClinVar variation 3685250 (VCV003685250.2).

ClinVar aggregate classification (germline): Uncertain significance (1 of 4 stars; one submission).

Conditions:
Adams-Oliver syndrome 5 (AOS5). Identifiers: Orphanet 974, MedGen C4014970, MONDO:0014459, OMIM 616028.

Submission:

Labcorp Genetics (formerly Invitae), Labcorp
Classification: Uncertain significance for Adams-Oliver syndrome 5. Last evaluated: 2024-07-15. Review status: criteria provided, single submitter. Criteria: Invitae Variant Classification Sherloc (09022015). Collection method: clinical testing. Allele origin: germline.
Comment: This sequence change replaces glycine, which is neutral and non-polar, with arginine, which is basic and polar, at codon 1513 of the NOTCH1 protein (p.Gly1513Arg). This variant is not present in population databases (gnomAD no frequency). This variant has not been reported in the literature in individuals affected with NOTCH1-related conditions. Advanced modeling of protein sequence and biophysical properties (such as structural, functional, and spatial information, amino acid conservation, physicochemical variation, residue mobility, and thermodynamic stability) performed at Invitae indicates that this missense variant is not expected to disrupt NOTCH1 protein function with a negative predictive value of 80%. In summary, the available evidence is currently insufficient to determine the role of this variant in disease. Therefore, it has been classified as a Variant of Uncertain Significance.